The following is an entry in ClinVar:

ClinVar aggregate classification (germline): Benign/Likely benign. Review status: criteria provided, multiple submitters, no conflicts (2 of 4 stars). 3 submissions from 3 submitters: Benign (1); Likely benign (1). 1 of the submissions does not count toward it. Last evaluated 2026-01-28.

Conditions:
AAAS-related disorder. Also called: AAAS-related condition.

Allele frequency attached by ClinVar (database versions not stated): ESP Exome Variant Server 0.00015; gnomAD 0.00030 and 0.00045; TOPMed 0.00049; 1000 Genomes Project 30x 0.00234; 1000 Genomes Project 0.00280.
gnomAD v4.1: 387 of 1,614,226 alleles (0.024%); highest among the groups gnomAD compares: East Asian, 0.53%; 2 homozygotes.

Submissions (3):

Labcorp Genetics (formerly Invitae), Labcorp
Classification: Likely benign. Last evaluated: 2026-01-28. Review status: criteria provided, single submitter. Criteria: Invitae Variant Classification Sherloc (09022015). Collection method: clinical testing. Allele origin: germline.

Blueprint Genetics
Classification: Benign. Last evaluated: 2024-06-19. Review status: criteria provided, single submitter. Criteria: ACMG Guidelines, 2015. Collection method: clinical testing. Allele origin: germline.

PreventionGenetics, part of Exact Sciences
Classification: Likely benign for AAAS-related condition. Last evaluated: 2019-09-30. Review status: no assertion criteria provided. Collection method: clinical testing. Allele origin: germline. Not counted in ClinVar's aggregate classification.
Comment: This variant is classified as likely benign based on ACMG/AMP sequence variant interpretation guidelines (Richards et al. 2015 PMID: 25741868, with internal and published modifications).

NM_015665.6(AAAS):c.63C>G (p.His21Gln)

Gene: AAAS (aladin WD repeat nucleoporin; minus strand). Cytogenetic location: 12q13.13.
Variant type: single nucleotide variant.
Coding change: c.63C>G on transcript NM_015665.6 (MANE Select); coding-DNA position 63, C replaced by G.
Protein change: p.His21Gln; replaces histidine 21 with glutamine.
Molecular consequence: missense variant.
Genome position (GRCh38, 1-based): chr12:53,321,403, G>C on the plus strand (C>G on the coding strand, the complement: AAAS is on the minus strand). VCF-style: chr12-53321403-G-C. GRCh37 (hg19) VCF-style: chr12-53715187-G-C.
Other names: c.63C>G, p.His21Gln (NM_001173466.2); short protein forms H21Q.
Identifiers: ClinVar variation 309742 (VCV000309742.17), dbSNP rs200408293, ClinGen allele CA6599373.